The following is an entry in ClinVar:

ClinVar aggregate classification (germline): Likely benign (1 of 4 stars; one submission).

gnomAD v4.1: 75 of 1,596,356 alleles (0.0047%); highest among the groups gnomAD compares: Middle Eastern, 0.017%; no homozygotes.

Submission:

CeGaT Center for Human Genetics Tuebingen
Classification: Likely benign. Last evaluated: 2025-06-01. Review status: criteria provided, single submitter. Criteria: CeGaT Center For Human Genetics Tuebingen Variant Classification Criteria Version 2. Collection method: clinical testing. Allele origin: germline. Affected: yes. Observed: 1 variant allele.
Comment: LARP6: BP4, BP7

NM_018357.4(LARP6):c.789C>T (p.Phe263=)

Gene: LARP6 (La ribonucleoprotein 6, translational regulator; minus strand). Cytogenetic location: 15q23.
Variant type: single nucleotide variant.
Coding change: c.789C>T on transcript NM_018357.4 (MANE Select); coding-DNA position 789, C replaced by T.
Protein change: p.Phe263=; no amino-acid change (phenylalanine 263 retained).
Molecular consequence: synonymous variant.
Genome position (GRCh38, 1-based): chr15:70,832,739, G>A on the plus strand (C>T on the coding strand, the complement: LARP6 is on the minus strand). VCF-style: chr15-70832739-G-A. GRCh37 (hg19) VCF-style: chr15-71125078-G-A.
Other names: c.237C>T, p.Phe79= (NM_001286679.2).
Identifiers: ClinVar variation 3905153 (VCV003905153.10).